The following is an entry in ClinVar:

ClinVar aggregate classification (germline): Conflicting classifications of pathogenicity. Review status: criteria provided, conflicting classifications (1 of 4 stars). 5 submissions from 5 submitters: Uncertain significance (4); Likely benign (1). Last evaluated 2025-09-04.

Conditions:
Hereditary cancer-predisposing syndrome. Also called: Hereditary Cancer Syndrome; Hereditary neoplastic syndrome; Neoplastic Syndromes, Hereditary; Tumor predisposition. Identifiers: Orphanet 140162, MedGen C0027672, MeSH D009386, MONDO:0015356.
Hereditary breast ovarian cancer syndrome. Also called: Hereditary breast and ovarian cancer; Breast and ovarian cancer; Hereditary breast and ovarian cancer syndrome; Hereditary breast and/or ovarian cancer syndrome; BRCA1- and BRCA2-Associated Hereditary Breast and Ovarian Cancer; Hereditary breast and ovarian cancer syndrome (HBOC). Identifiers: Orphanet 145, MedGen C0677776, MeSH D061325, MONDO:0003582. Disease mechanism: loss of function.
BRCA2-related cancer predisposition. Identifiers: MedGen CN377758, MONDO:0700269.

Allele frequency attached by ClinVar (database versions not stated): TOPMed below 0.00001.

Submissions (5):

Labcorp Genetics (formerly Invitae), Labcorp
Classification: Uncertain significance for Hereditary breast ovarian cancer syndrome. Last evaluated: 2025-09-04. Review status: criteria provided, single submitter. Criteria: Invitae Variant Classification Sherloc (09022015). Collection method: clinical testing. Allele origin: germline.
Comment: This sequence change replaces serine, which is neutral and polar, with proline, which is neutral and non-polar, at codon 2807 of the BRCA2 protein (p.Ser2807Pro). This variant is not present in population databases (gnomAD no frequency). This missense change has been observed in individual(s) with hereditary breast and ovarian cancer syndrome (PMID: 34178674, 34326862). ClinVar contains an entry for this variant (Variation ID: 441481). Invitae Evidence Modeling of protein sequence and biophysical properties (such as structural, functional, and spatial information, amino acid conservation, physicochemical variation, residue mobility, and thermodynamic stability) indicates that this missense variant is not expected to disrupt BRCA2 protein function with a negative predictive value of 95%. In summary, the available evidence is currently insufficient to determine the role of this variant in disease. Therefore, it has been classified as a Variant of Uncertain Significance.

Ambry Genetics
Classification: Likely benign for Hereditary cancer-predisposing syndrome. Last evaluated: 2025-05-08. Review status: criteria provided, single submitter. Criteria: Ambry Variant Classification Scheme 2023. Collection method: clinical testing. Allele origin: germline.

All of Us Research Program, National Institutes of Health
Classification: Uncertain significance for BRCA2-related cancer predisposition. Last evaluated: 2024-08-13. Review status: criteria provided, single submitter. Criteria: ACMG Guidelines, 2015. Collection method: clinical testing. Allele origin: germline. Inheritance: Autosomal dominant inheritance. Observed: 2 variant alleles, 2 heterozygotes.
Comment: This missense variant replaces serine with proline at codon 2807 of the BRCA2 protein. Computational prediction tool suggests that this variant may not impact protein structure and function (internally defined REVEL score threshold <=0.5, PMID: 27666373). Splice site prediction tools suggest that this variant may not impact RNA splicing. To our knowledge, functional studies have not been performed for this variant. This variant has not been reported in individuals affected with hereditary cancer in the literature. This variant has not been identified in the general population by the Genome Aggregation Database (gnomAD). The available evidence is insufficient to determine the role of this variant in disease conclusively. Therefore, this variant is classified as a Variant of Uncertain Significance.

This study involves interpretation of variants in research participants for the purpose of population health screening. Participant phenotype was not available at the time of variant classification. Additional details can be found in publication PMID: 35346344, PMCID: PMC8962531

Color Diagnostics, LLC DBA Color Health
Classification: Uncertain significance for Hereditary cancer-predisposing syndrome. Last evaluated: 2023-11-13. Review status: criteria provided, single submitter. Criteria: ACMG Guidelines, 2015. Collection method: clinical testing. Allele origin: germline.
Comment: This missense variant replaces serine with proline at codon 2807 of the BRCA2 protein. Computational prediction suggests that this variant may not impact protein structure and function (internally defined REVEL score threshold <= 0.5, PMID: 27666373). To our knowledge, functional studies have not been reported for this variant. This variant has been reported in individuals affected with breast or ovarian cancer (PMID: 33471991; Leiden Open Variation Database DB-ID BRCA2_008665, 35150867). This variant has not been identified in the general population by the Genome Aggregation Database (gnomAD). The available evidence is insufficient to determine the role of this variant in disease conclusively. Therefore, this variant is classified as a Variant of Uncertain Significance.

Women's Health and Genetics/Laboratory Corporation of America, LabCorp
Classification: Uncertain significance. Last evaluated: 2018-11-01. Review status: criteria provided, single submitter. Criteria: LabCorp Variant Classification Summary - May 2015. Collection method: clinical testing. Allele origin: germline.
Comment: Variant summary: BRCA2 c.8419T>C (p.Ser2807Pro) results in a non-conservative amino acid change in the encoded protein sequence. Four of four in-silico tools predict a damaging effect of the variant on protein function. The variant was absent in 277104 control chromosomes. The available data on variant occurrences in the general population are insufficient to allow any conclusion about variant significance. To our knowledge, no occurrence of c.8419T>C in individuals affected with Hereditary Breast and Ovarian Cancer and no experimental evidence demonstrating its impact on protein function have been reported. One clinical diagnostic laboratory has submitted clinical-significance assessments for this variant to ClinVar after 2014 without evidence for independent evaluation and classified the variant as uncertain significance. Based on the evidence outlined above, the variant was classified as uncertain significance.

Literature cited by the submitters: PubMed 34178674 (cited by Labcorp Genetics (formerly Invitae), Labcorp); PubMed 34326862 (cited by Labcorp Genetics (formerly Invitae), Labcorp); PubMed 33471991 (cited by Color Diagnostics, LLC DBA Color Health); PubMed 35150867 (cited by Color Diagnostics, LLC DBA Color Health).

NM_000059.4(BRCA2):c.8419T>C (p.Ser2807Pro)

Gene: BRCA2 (BRCA2 DNA repair associated; plus strand). Cytogenetic location: 13q13.1.
Variant type: single nucleotide variant.
Coding change: c.8419T>C on transcript NM_000059.4 (MANE Select); coding-DNA position 8419, T replaced by C.
Protein change: p.Ser2807Pro; replaces serine 2807 with proline.
Molecular consequence: missense variant.
Genome position (GRCh38, 1-based): chr13:32,370,489, T>C. VCF-style: chr13-32370489-T-C. GRCh37 (hg19) VCF-style: chr13-32944626-T-C.
Other names: short protein forms S2807P.
Identifiers: ClinVar variation 441481 (VCV000441481.22), dbSNP rs1555287637, ClinGen allele CA387752524.
Genomic context (GRCh38, chr13:32,370,489, plus strand): 5'-CGCTGGTATACCAAACTTGGATTCTTTCCTGACCCTAGACCTTTTCCTCTGCCCTTATCA[T>C]CGCTTTTCAGTGATGGAGGAAATGTTGGTTGTGTTGATGTAATTATTCAAAGAGCATACC-3'
Protein context (NP_000050.3, residues 2797-2817): DPRPFPLPLS[Ser2807Pro]LFSDGGNVGC